The following is an entry in ClinVar:

ClinVar aggregate classification (germline): Uncertain significance (1 of 4 stars; one submission).

Submission:

Labcorp Genetics (formerly Invitae), Labcorp
Classification: Uncertain significance. Last evaluated: 2022-06-15. Review status: criteria provided, single submitter. Criteria: Invitae Variant Classification Sherloc (09022015). Collection method: clinical testing. Allele origin: germline.
Comment: In summary, the available evidence is currently insufficient to determine the role of this variant in disease. Therefore, it has been classified as a Variant of Uncertain Significance. This variant disrupts the p.Glu420 amino acid residue in PPP2R5D. Other variant(s) that disrupt this residue have been determined to be pathogenic (PMID: 26576547). This suggests that this residue is clinically significant, and that variants that disrupt this residue are likely to be disease-causing. Algorithms developed to predict the effect of missense changes on protein structure and function (SIFT, PolyPhen-2, Align-GVGD) all suggest that this variant is likely to be disruptive. This variant has not been reported in the literature in individuals affected with PPP2R5D-related conditions. This variant is not present in population databases (gnomAD no frequency). This sequence change replaces glutamic acid, which is acidic and polar, with glycine, which is neutral and non-polar, at codon 420 of the PPP2R5D protein (p.Glu420Gly).

Literature cited by the submitters: PubMed 26576547.

NM_006245.4(PPP2R5D):c.1259A>G (p.Glu420Gly)

Gene: PPP2R5D (protein phosphatase 2 regulatory subunit B'delta; plus strand). Cytogenetic location: 6p21.1.
Variant type: single nucleotide variant.
Coding change: c.1259A>G on transcript NM_006245.4 (MANE Select); coding-DNA position 1259, A replaced by G.
Protein change: p.Glu420Gly; replaces glutamic acid 420 with glycine.
Molecular consequence: missense variant.
Genome position (GRCh38, 1-based): chr6:43,009,329, A>G. VCF-style: chr6-43009329-A-G. GRCh37 (hg19) VCF-style: chr6-42977067-A-G.
Other names: c.806A>G, p.Glu269Gly (NM_001270476.2); c.1163A>G, p.Glu388Gly (NM_180976.3); c.941A>G, p.Glu314Gly (NM_180977.3); short protein forms E420G, E269G, E314G, E388G.
Identifiers: ClinVar variation 2006830 (VCV002006830.4), dbSNP rs2532485081, ClinGen allele CA364194290.
Genomic context (GRCh38, chr6:43,009,329, plus strand): 5'-TGAGGTCTTGAGTGAAATGAGCAGCACCCACCGAGTCTGCCTCTCCCCACCAGGTGGCAG[A>G]GCGTGCTCTCTATTACTGGAACAATGAGTACATCATGAGCCTGATAAGTGACAATGCTGC-3'
Protein context (NP_006236.1, residues 410-430): CVSSPHFQVA[Glu420Gly]RALYYWNNEY